The following is an entry in ClinVar:

NM_020813.4(ZNF471):c.926A>G (p.Gln309Arg)

Gene: ZNF471 (zinc finger protein 471; plus strand). Cytogenetic location: 19q13.43.
Variant type: single nucleotide variant.
Coding change: c.926A>G on transcript NM_020813.4 (MANE Select); coding-DNA position 926, A replaced by G.
Protein change: p.Gln309Arg; replaces glutamine 309 with arginine.
Molecular consequence: missense variant.
Genome position (GRCh38, 1-based): chr19:56,524,993, A>G. VCF-style: chr19-56524993-A-G. GRCh37 (hg19) VCF-style: chr19-57036362-A-G.
Other names: c.704A>G, p.Gln235Arg (NM_001321768.2); short protein forms Q235R, Q309R.
Identifiers: ClinVar variation 2650562 (VCV002650562.24), dbSNP rs45487092, ClinGen allele CA9690457.

ClinVar aggregate classification (germline): Likely benign (1 of 4 stars; one submission).

Allele frequency attached by ClinVar (database versions not stated): 1000 Genomes Project 0.00100; 1000 Genomes Project 30x 0.00141; ExAC 0.00258; TOPMed 0.00261; gnomAD 0.00275; ESP Exome Variant Server 0.00369; gnomAD exomes 0.00504.
gnomAD v4.1: 7,690 of 1,614,162 alleles (0.48%); highest among the groups gnomAD compares: Non-Finnish European, 0.62%; 37 homozygotes.

Submission:

CeGaT Center for Human Genetics Tuebingen
Classification: Likely benign. Last evaluated: 2022-12-01. Review status: criteria provided, single submitter. Criteria: CeGaT Center For Human Genetics Tuebingen Variant Classification Criteria Version 2. Collection method: clinical testing. Allele origin: germline. Affected: yes. Observed: 1 variant allele.
Comment: ZNF471: BP4, BS2